The following is an entry in ClinVar:

NM_015215.4(CAMTA1):c.1076_1077del (p.Pro359fs)

Gene: CAMTA1 (calmodulin binding transcription activator 1; plus strand). Cytogenetic location: 1p36.23.
Variant type: Deletion.
Coding change: c.1076_1077del on transcript NM_015215.4 (MANE Select); coding-DNA positions 1076 to 1077, 2 bases deleted (CT; older notation c.1076_1077delCT).
Protein change: p.Pro359fs; shifts the reading frame from proline 359.
Molecular consequence: frameshift variant.
Genome position (GRCh38, 1-based): chr1:7,663,623-7,663,624, CT deleted. VCF-style (leftmost placement, unchanged base first): chr1-7663622-CCT-C. GRCh37 (hg19) VCF-style: chr1-7723682-CCT-C.
Other names: c.986_987del, p.Pro329fs (NM_001349608.2, NM_001349612.2); c.1076_1077del, p.Pro359fs (NM_001349609.2, NM_001349610.2, NM_001410737.1); c.1004_1005del, p.Pro335fs (NM_001410738.1); short protein forms P329fs, P335fs, P359fs.
Identifiers: ClinVar variation 4536282 (VCV004536282.1).

ClinVar aggregate classification (germline): Pathogenic (1 of 4 stars; one submission).

Submission:

GeneDx
Classification: Pathogenic. Last evaluated: 2025-06-02. Review status: criteria provided, single submitter. Criteria: GeneDx Variant Classification Process June 2021. Collection method: clinical testing. Allele origin: germline. Affected: yes.
Comment: Frameshift variant predicted to result in protein truncation or nonsense mediated decay in a gene for which loss of function is a known mechanism of disease; Not observed at significant frequency in large population cohorts (gnomAD); Has not been previously published as pathogenic or benign to our knowledge